The following is an entry in ClinVar:

NM_006031.6(PCNT):c.4924G>A (p.Glu1642Lys)

Gene: PCNT (pericentrin; plus strand). Cytogenetic location: 21q22.3.
Variant type: single nucleotide variant.
Coding change: c.4924G>A on transcript NM_006031.6 (MANE Select); coding-DNA position 4924, G replaced by A.
Protein change: p.Glu1642Lys; replaces glutamic acid 1642 with lysine.
Molecular consequence: missense variant.
Genome position (GRCh38, 1-based): chr21:46,401,683, G>A. VCF-style: chr21-46401683-G-A. GRCh37 (hg19) VCF-style: chr21-47821597-G-A.
Other names: c.4570G>A, p.Glu1524Lys (NM_001315529.2); short protein forms E1642K, E1524K.
Identifiers: ClinVar variation 4998879 (VCV004998879.1).

ClinVar aggregate classification (germline): Uncertain significance (1 of 4 stars; one submission).

Conditions:
PCNT-related disorder. Also called: PCNT-related condition.

Submission:

PreventionGenetics, part of Exact Sciences
Classification: Uncertain significance for PCNT-related condition. Last evaluated: 2024-10-16. Review status: criteria provided, single submitter. Criteria: ACMG Guidelines, 2015. Collection method: clinical testing. Allele origin: germline.
Comment: The PCNT c.4924G>A variant is predicted to result in the amino acid substitution p.Glu1642Lys. To our knowledge, this variant has not been reported in the literature or in a large population database (gnomAD), indicating this variant is rare. At this time, the clinical significance of this variant is uncertain due to the absence of conclusive functional and genetic evidence.